The following is an entry in ClinVar:

ClinVar aggregate classification (germline): Likely pathogenic. Review status: criteria provided, multiple submitters, no conflicts (2 of 4 stars). 2 submissions from 2 submitters: Likely pathogenic (2). Last evaluated 2025-10-01.

Conditions:
Dilated cardiomyopathy 1G (CMD1G). Identifiers: Orphanet 154, MedGen C1858763, MONDO:0011400, OMIM 604145.
Autosomal recessive limb-girdle muscular dystrophy type 2J (LGMDR10). Also called: MUSCULAR DYSTROPHY, LIMB-GIRDLE, AUTOSOMAL RECESSIVE 10; Limb-girdle muscular dystrophy, type 2J. Identifiers: Orphanet 140922, MedGen C1837342, MONDO:0012127, OMIM 608807.

Submissions (2):

Labcorp Genetics (formerly Invitae), Labcorp
Classification: Likely pathogenic for Dilated cardiomyopathy 1G; Autosomal recessive limb-girdle muscular dystrophy type 2J. Last evaluated: 2025-10-01. Review status: criteria provided, single submitter. Criteria: Invitae Variant Classification Sherloc (09022015). Collection method: clinical testing. Allele origin: germline.
Comment: This sequence change creates a premature translational stop signal (p.Trp6794*) in the TTN gene. While this is not anticipated to result in nonsense mediated decay, it is expected to create a truncated TTN protein. This variant is not present in population databases (gnomAD no frequency). This variant has not been reported in the literature in individuals affected with TTN-related conditions. ClinVar contains an entry for this variant (Variation ID: 3382703). This variant is located in the I band of TTN (PMID: 25589632). Truncating variants in this region have been reported in individuals affected with autosomal recessive centronuclear myopathy (PMID: 23975875, internal data). Truncating variants in this region have also been identified in individuals affected with autosomal dominant dilated cardiomyopathy and/or cardio-related conditions (PMID: 27869827, 32964742, internal data). In summary, the currently available evidence indicates that the variant is pathogenic, but additional data are needed to prove that conclusively. Therefore, this variant has been classified as Likely Pathogenic.

Juno Genomics, Hangzhou Juno Genomics, Inc
Classification: Likely pathogenic for Dilated cardiomyopathy 1G. Review status: criteria provided, single submitter. Criteria: ACMG Guidelines, 2015. Collection method: clinical testing. Allele origin: germline.
Comment: Absent from controls (or at extremely low frequency if recessive) in Genome Aggregation Database.;Null variant in a gene where loss of function (LOF) is a known mechanism of disease.

Literature cited by the submitters: PubMed 25589632 (cited by Labcorp Genetics (formerly Invitae), Labcorp); PubMed 23975875 (cited by Labcorp Genetics (formerly Invitae), Labcorp); PubMed 27869827 (cited by Labcorp Genetics (formerly Invitae), Labcorp); PubMed 32964742 (cited by Labcorp Genetics (formerly Invitae), Labcorp).

NM_001267550.2(TTN):c.20382G>A (p.Trp6794Ter)

Gene: TTN (titin; minus strand). Cytogenetic location: 2q31.2.
Variant type: single nucleotide variant.
Coding change: c.20382G>A on transcript NM_001267550.2 (MANE Select); coding-DNA position 20382, G replaced by A.
Protein change: p.Trp6794Ter; replaces tryptophan 6794 with a stop codon.
Molecular consequence: nonsense. On other transcripts: intron variant (3).
Genome position (GRCh38, 1-based): chr2:178,725,940, C>T on the plus strand (G>A on the coding strand, the complement: TTN is on the minus strand). VCF-style: chr2-178725940-C-T. GRCh37 (hg19) VCF-style: chr2-179590667-C-T.
Other names: c.19431G>A, p.Trp6477Ter (NM_001256850.1); c.16650G>A, p.Trp5550Ter (NM_133378.4); c.13282+12142G>A (NM_003319.4); c.13858+12142G>A (NM_133437.4); c.13657+12142G>A (NM_133432.3); short protein forms W5550*, W6477*, W6794*.
Identifiers: ClinVar variation 3382703 (VCV003382703.4).